The following is an entry in ClinVar:

ClinVar aggregate classification (germline): Uncertain significance. Review status: criteria provided, multiple submitters, no conflicts (2 of 4 stars). 3 submissions from 3 submitters: Uncertain significance (3). Last evaluated 2026-09-08.

Conditions:
Neurofibromatosis, type 1 (NF1). Also called: VON RECKLINGHAUSEN DISEASE; Peripheral type neurofibromatosis; Neurofibromatosis, type I; NEUROFIBROMATOSIS, TYPE I, SOMATIC. Identifiers: Orphanet 636, MedGen C0027831, MONDO:0018975, OMIM 162200. Disease mechanism: loss of function.
Cardiovascular phenotype. Identifiers: MedGen CN230736.
Hereditary cancer-predisposing syndrome. Also called: Hereditary Cancer Syndrome; Hereditary neoplastic syndrome; Neoplastic Syndromes, Hereditary; Tumor predisposition. Identifiers: Orphanet 140162, MedGen C0027672, MeSH D009386, MONDO:0015356.

Submissions (3):

Ambry Genetics
Classification: Uncertain significance for Cardiovascular phenotype; Hereditary cancer-predisposing syndrome. Last evaluated: 2026-09-08. Review status: criteria provided, single submitter. Criteria: Ambry Variant Classification Scheme 2023. Collection method: clinical testing. Allele origin: germline.
Comment: The p.G1293S variant (also known as c.3877G>A), located in coding exon 29 of the NF1 gene, results from a G to A substitution at nucleotide position 3877. The glycine at codon 1293 is replaced by serine, an amino acid with similar properties. This amino acid position is highly conserved in available vertebrate species. In addition, this alteration is predicted to be deleterious by in silico analysis. Based on the available evidence, the clinical significance of this variant remains unclear.

Labcorp Genetics (formerly Invitae), Labcorp
Classification: Uncertain significance for Neurofibromatosis, type 1. Last evaluated: 2025-12-23. Review status: criteria provided, single submitter. Criteria: Invitae Variant Classification Sherloc (09022015). Collection method: clinical testing. Allele origin: germline.
Comment: This sequence change replaces glycine, which is neutral and non-polar, with serine, which is neutral and polar, at codon 1293 of the NF1 protein (p.Gly1293Ser). This variant is not present in population databases (gnomAD no frequency). This variant has not been reported in the literature in individuals affected with NF1-related conditions. ClinVar contains an entry for this variant (Variation ID: 1735759). Invitae Evidence Modeling of protein sequence and biophysical properties (such as structural, functional, and spatial information, amino acid conservation, physicochemical variation, residue mobility, and thermodynamic stability) indicates that this missense variant is expected to disrupt NF1 protein function with a positive predictive value of 95%. In summary, the available evidence is currently insufficient to determine the role of this variant in disease. Therefore, it has been classified as a Variant of Uncertain Significance.

GeneDx
Classification: Uncertain significance. Last evaluated: 2023-07-13. Review status: criteria provided, single submitter. Criteria: GeneDx Variant Classification Process June 2021. Collection method: clinical testing. Allele origin: germline. Affected: yes.
Comment: Not observed at significant frequency in large population cohorts (gnomAD); In silico analysis supports that this missense variant has a deleterious effect on protein structure/function; Has not been previously published as pathogenic or benign to our knowledge; This variant is associated with the following publications: (PMID: 25486365, 22807134)

NM_001042492.3(NF1):c.3877G>A (p.Gly1293Ser)

Gene: NF1 (neurofibromin 1; plus strand). Cytogenetic location: 17q11.2.
Variant type: single nucleotide variant.
Coding change: c.3877G>A on transcript NM_001042492.3 (MANE Select); coding-DNA position 3877, G replaced by A.
Protein change: p.Gly1293Ser; replaces glycine 1293 with serine.
Molecular consequence: missense variant.
Genome position (GRCh38, 1-based): chr17:31,235,924, G>A. VCF-style: chr17-31235924-G-A. GRCh37 (hg19) VCF-style: chr17-29562942-G-A.
Other names: c.3877G>A, p.Gly1293Ser (NM_000267.4); short protein forms G1293S.
Identifiers: ClinVar variation 1735759 (VCV001735759.9), dbSNP rs2151438502, ClinGen allele CA398993003.